The following is an entry in ClinVar:

NM_000399.5(EGR2):c.40C>T (p.Leu14Phe)

Gene: EGR2 (early growth response 2; minus strand). Cytogenetic location: 10q21.3.
Variant type: single nucleotide variant.
Coding change: c.40C>T on transcript NM_000399.5 (MANE Select); coding-DNA position 40, C replaced by T.
Protein change: p.Leu14Phe; replaces leucine 14 with phenylalanine.
Molecular consequence: missense variant. On other transcripts: intron variant (3).
Genome position (GRCh38, 1-based): chr10:62,815,990, G>A on the plus strand (C>T on the coding strand, the complement: EGR2 is on the minus strand). VCF-style: chr10-62815990-G-A. GRCh37 (hg19) VCF-style: chr10-64575750-G-A.
Other names: c.40C>T, p.Leu14Phe (NM_001136177.3, NM_001136178.2); c.100-21C>T (NM_001410931.1); c.-90-21C>T (NM_001321037.2, NM_001136179.3); short protein forms L14F.
Identifiers: ClinVar variation 4795734 (VCV004795734.1).

ClinVar aggregate classification (germline): Uncertain significance (1 of 4 stars; one submission).

Submission:

GeneDx
Classification: Uncertain significance. Last evaluated: 2025-08-13. Review status: criteria provided, single submitter. Criteria: GeneDx Variant Classification Process June 2021. Collection method: clinical testing. Allele origin: germline. Affected: yes.
Comment: Not observed at significant frequency in large population cohorts (gnomAD); In silico analysis suggests that this missense variant does not alter protein structure/function; Has not been previously published as pathogenic or benign to our knowledge